The following is an entry in ClinVar:

ClinVar aggregate classification (germline): Uncertain significance. Review status: criteria provided, multiple submitters, no conflicts (2 of 4 stars). 2 submissions from 2 submitters: Uncertain significance (2). Last evaluated 2026-01-27.

gnomAD v4.1: 16 of 1,613,084 alleles (0.00099%); highest among the groups gnomAD compares: Non-Finnish European, 0.0013%; no homozygotes.

Submissions (2):

GeneDx
Classification: Uncertain significance. Last evaluated: 2026-01-27. Review status: criteria provided, single submitter. Criteria: GeneDx Variant Classification Process June 2021. Collection method: clinical testing. Allele origin: germline.
Comment: Not observed at significant frequency in large population cohorts (gnomAD); In silico analysis suggests that this missense variant does not alter protein structure/function; Has not been previously published as pathogenic or benign to our knowledge

Blueprint Genetics
Classification: Uncertain significance. Last evaluated: 2022-03-24. Review status: criteria provided, single submitter. Criteria: ACMG Guidelines, 2015. Collection method: clinical testing. Allele origin: germline.

NM_032119.4(ADGRV1):c.4624A>G (p.Ile1542Val)

Gene: ADGRV1 (adhesion G protein-coupled receptor V1; plus strand). Cytogenetic location: 5q14.3.
Variant type: single nucleotide variant.
Coding change: c.4624A>G on transcript NM_032119.4 (MANE Select); coding-DNA position 4624, A replaced by G.
Protein change: p.Ile1542Val; replaces isoleucine 1542 with valine.
Molecular consequence: missense variant. On other transcripts: non-coding transcript variant (1).
Genome position (GRCh38, 1-based): chr5:90,658,150, A>G. VCF-style: chr5-90658150-A-G. GRCh37 (hg19) VCF-style: chr5-89953967-A-G.
Other names: c.4624A>G (NM_032119.3); short protein forms I1542V.
Identifiers: ClinVar variation 4971217 (VCV004971217.2).
Genomic context (GRCh38, chr5:90,658,150, plus strand): 5'-AACAAATCATTCATTATTTCTGCAAGAGATGACAATGACGAGGAAGGAGAAGAATTATTC[A>G]TTCTTAAACTAGTTTCTGTATATGGAGGAGCTCGTATTTCGGAAGAAAATACTACTGCAA-3'
Protein context (NP_115495.3, residues 1532-1552): DNDEEGEELF[Ile1542Val]LKLVSVYGGA